The following is an entry in ClinVar:

NM_173076.3(ABCA12):c.4579+9A>G

Gene: ABCA12 (ATP binding cassette subfamily A member 12; minus strand). Cytogenetic location: 2q35.
Variant type: single nucleotide variant.
Coding change: c.4579+9A>G on transcript NM_173076.3 (MANE Select); 9 bases into the intron after coding-DNA position 4579, A replaced by G.
Molecular consequence: intron variant.
Genome position (GRCh38, 1-based): chr2:214,982,178, T>C on the plus strand (A>G on the coding strand, the complement: ABCA12 is on the minus strand). VCF-style: chr2-214982178-T-C. GRCh37 (hg19) VCF-style: chr2-215846902-T-C.
Other names: c.4579+9A>G (NM_173076.2); c.3625+9A>G (NM_015657.4).
Identifiers: ClinVar variation 2722015 (VCV002722015.4), dbSNP rs369763843, ClinGen allele CA2091453.

ClinVar aggregate classification (germline): Likely benign. Review status: criteria provided, single submitter (1 of 4 stars). 2 submissions from 2 submitters: Likely benign (1). 1 of the submissions does not count toward it. Last evaluated 2026-01-28.

Conditions:
ABCA12-related disorder. Also called: ABCA12-related condition.

Allele frequency attached by ClinVar (database versions not stated): ESP Exome Variant Server 0.00008; 1000 Genomes Project 30x 0.00016; gnomAD exomes 0.00001; TOPMed 0.00015; 1000 Genomes Project 0.00020; ExAC 0.00003; gnomAD 0.00011.
gnomAD v4.1: 34 of 1,613,590 alleles (0.0021%); highest among the groups gnomAD compares: African/African-American, 0.041%; no homozygotes.

Submissions (2):

Labcorp Genetics (formerly Invitae), Labcorp
Classification: Likely benign. Last evaluated: 2026-01-28. Review status: criteria provided, single submitter. Criteria: Invitae Variant Classification Sherloc (09022015). Collection method: clinical testing. Allele origin: germline.

PreventionGenetics, part of Exact Sciences
Classification: Likely benign for ABCA12-related condition. Last evaluated: 2024-03-27. Review status: no assertion criteria provided. Collection method: clinical testing. Allele origin: germline. Not counted in ClinVar's aggregate classification.
Comment: This variant is classified as likely benign based on ACMG/AMP sequence variant interpretation guidelines (Richards et al. 2015 PMID: 25741868, with internal and published modifications).